The following is an entry in ClinVar:

ClinVar aggregate classification (germline): Pathogenic (1 of 4 stars; one submission).

Conditions:
Leber congenital amaurosis 9 (LCA9). Also called: LCA 9; Amaurosis congenita of Leber, type 9; LCA9 Leber Congenital Amaurosis. Identifiers: Orphanet 65, MedGen C1837873, MONDO:0012056, OMIM 608553.

Submission:

Labcorp Genetics (formerly Invitae), Labcorp
Classification: Pathogenic for Leber congenital amaurosis 9. Last evaluated: 2022-06-27. Review status: criteria provided, single submitter. Criteria: Invitae Variant Classification Sherloc (09022015). Collection method: clinical testing. Allele origin: germline.
Comment: This variant has not been reported in the literature in individuals affected with NMNAT1-related conditions. For these reasons, this variant has been classified as Pathogenic. This variant disrupts a region of the NMNAT1 protein in which other variant(s) (p.Leu253Phefs*5) have been determined to be pathogenic (PMID: 32865313). This suggests that this is a clinically significant region of the protein, and that variants that disrupt it are likely to be disease-causing. This variant is present in population databases (rs763438353, gnomAD 0.0009%). This sequence change results in a frameshift in the NMNAT1 gene (p.Ile226Serfs*60). While this is not anticipated to result in nonsense mediated decay, it is expected to disrupt the last 54 amino acid(s) of the NMNAT1 protein and extend the protein by 5 additional amino acid residues.

Literature cited by the submitters: PubMed 32865313.

NM_022787.4(NMNAT1):c.676del (p.Ile226fs)

Gene: NMNAT1 (nicotinamide nucleotide adenylyltransferase 1; plus strand). Cytogenetic location: 1p36.22.
Variant type: Deletion.
Coding change: c.676del on transcript NM_022787.4 (MANE Select); coding-DNA position 676, one base deleted (A; older notation c.676delA).
Protein change: p.Ile226fs; shifts the reading frame from isoleucine 226.
Molecular consequence: frameshift variant.
Genome position (GRCh38, 1-based): chr1:9,982,537, A deleted; the last of 5 consecutive A bases (chr1:9,982,533-9,982,537); deleting any one gives the same sequence. VCF-style (leftmost placement, unchanged base first): chr1-9982532-CA-C. GRCh37 (hg19) VCF-style: chr1-10042590-CA-C.
Other names: c.676del, p.Ile226fs (NM_001297778.1); short protein forms I226fs.
Identifiers: ClinVar variation 1424174 (VCV001424174.8), dbSNP rs763438353, ClinGen allele CA579309.